The following is an entry in ClinVar:

NM_002184.4(IL6ST):c.1938-3C>T

Gene: IL6ST (interleukin 6 cytokine family signal transducer; minus strand). Cytogenetic location: 5q11.2.
Variant type: single nucleotide variant.
Coding change: c.1938-3C>T on transcript NM_002184.4 (MANE Select); 3 bases into the intron before coding-DNA position 1938, C replaced by T.
Molecular consequence: intron variant.
Genome position (GRCh38, 1-based): chr5:55,942,754, G>A on the plus strand (C>T on the coding strand, the complement: IL6ST is on the minus strand). VCF-style: chr5-55942754-G-A. GRCh37 (hg19) VCF-style: chr5-55238582-G-A.
Other names: c.*865-3C>T (NM_175767.3); c.1755-3C>T (NM_001190981.2); c.1836-3C>T (NM_001364275.2); c.1728-3C>T (NM_001364276.2); c.942-3C>T (NM_001364279.2); c.1035-3C>T (NM_001364278.2); c.1071-3C>T (NM_001364277.2).
Identifiers: ClinVar variation 2846603 (VCV002846603.3), dbSNP rs1750999306, ClinGen allele CA2673892933.

ClinVar aggregate classification (germline): Uncertain significance (1 of 4 stars; one submission).

Submission:

Labcorp Genetics (formerly Invitae), Labcorp
Classification: Uncertain significance. Last evaluated: 2023-03-17. Review status: criteria provided, single submitter. Criteria: Invitae Variant Classification Sherloc (09022015). Collection method: clinical testing. Allele origin: germline.
Comment: In summary, the available evidence is currently insufficient to determine the role of this variant in disease. Therefore, it has been classified as a Variant of Uncertain Significance. Variants that disrupt the consensus splice site are a relatively common cause of aberrant splicing (PMID: 17576681, 9536098). Algorithms developed to predict the effect of sequence changes on RNA splicing suggest that this variant is not likely to affect RNA splicing. This variant has not been reported in the literature in individuals affected with IL6ST-related conditions. This variant is not present in population databases (gnomAD no frequency). This sequence change falls in intron 15 of the IL6ST gene. It does not directly change the encoded amino acid sequence of the IL6ST protein. It affects a nucleotide within the consensus splice site.

Literature cited by the submitters: PubMed 17576681; PubMed 9536098.